The following is an entry in ClinVar:

ClinVar aggregate classification (germline): Likely benign. Review status: criteria provided, multiple submitters, no conflicts (2 of 4 stars). 5 submissions from 5 submitters: Likely benign (4). 1 of the submissions does not count toward it. Last evaluated 2025-11-06.

Conditions:
RAB3GAP1-related disorder. Also called: RAB3GAP1-related condition; RAB3GAP1-related disorders.

Allele frequency attached by ClinVar (database versions not stated): gnomAD exomes 0.00012 and 0.00016; ExAC 0.00016; 1000 Genomes Project 0.00020; gnomAD 0.00023 and 0.00024; 1000 Genomes Project 30x 0.00031; TOPMed 0.00037; ESP Exome Variant Server 0.00038.
gnomAD v4.1: 268 of 1,614,036 alleles (0.017%); highest among the groups gnomAD compares: Admixed American, 0.033%; no homozygotes.

Submissions (5):

Labcorp Genetics (formerly Invitae), Labcorp
Classification: Likely benign. Last evaluated: 2025-11-06. Review status: criteria provided, single submitter. Criteria: Invitae Variant Classification Sherloc (09022015). Collection method: clinical testing. Allele origin: germline.

Mayo Clinic Laboratories, Mayo Clinic
Classification: Likely benign. Last evaluated: 2025-10-19. Review status: criteria provided, single submitter. Criteria: ACMG Guidelines, 2015. Collection method: clinical testing. Allele origin: germline. Observed: 2 variant alleles.
Comment: BP4, BP7

Blueprint Genetics
Classification: Likely benign. Last evaluated: 2024-11-12. Review status: criteria provided, single submitter. Criteria: ACMG Guidelines, 2015. Collection method: clinical testing. Allele origin: germline.

GeneDx
Classification: Likely benign. Last evaluated: 2017-04-05. Review status: criteria provided, single submitter. Criteria: GeneDx Variant Classification (06012015). Collection method: clinical testing. Allele origin: germline. Affected: yes.
Comment: This variant is considered likely benign or benign based on one or more of the following criteria: it is a conservative change, it occurs at a poorly conserved position in the protein, it is predicted to be benign by multiple in silico algorithms, and/or has population frequency not consistent with disease.

PreventionGenetics, part of Exact Sciences
Classification: Likely benign for RAB3GAP1-related condition. Last evaluated: 2024-03-14. Review status: no assertion criteria provided. Collection method: clinical testing. Allele origin: germline. Not counted in ClinVar's aggregate classification.
Comment: This variant is classified as likely benign based on ACMG/AMP sequence variant interpretation guidelines (Richards et al. 2015 PMID: 25741868, with internal and published modifications).

NM_012233.3(RAB3GAP1):c.1719A>G (p.Lys573=)

Gene: RAB3GAP1 (RAB3 GTPase activating protein catalytic subunit 1; plus strand). Cytogenetic location: 2q21.3.
Variant type: single nucleotide variant.
Coding change: c.1719A>G on transcript NM_012233.3 (MANE Select); coding-DNA position 1719, A replaced by G.
Protein change: p.Lys573=; no amino-acid change (lysine 573 retained).
Molecular consequence: synonymous variant.
Genome position (GRCh38, 1-based): chr2:135,135,728, A>G. VCF-style: chr2-135135728-A-G. GRCh37 (hg19) VCF-style: chr2-135893298-A-G.
Other names: p.Lys573=; c.1719A>G, p.Lys573= (NM_001172435.2).
Identifiers: ClinVar variation 508718 (VCV000508718.9), dbSNP rs201394875, ClinGen allele CA1884910.
Genomic context (GRCh38, chr2:135,135,728, plus strand): 5'-AGACCAGTTGGTGCCAGATAATCTAAAAGAAACAGATAAGGAAAAGGGAGAGGTAGGAAA[A>G]TCTTGGGATTCCTGGAGTGACAGCGAAGAAGAATTTTTTGAATGCCTAAGTGATACTGAA-3'
Protein context (NP_036365.1, residues 563-583): ETDKEKGEVG[Lys573=]SWDSWSDSEE